The following is an entry in ClinVar:

NM_015662.3(IFT172):c.1998T>A (p.Ile666=)

Gene: IFT172 (intraflagellar transport 172; minus strand). Cytogenetic location: 2p23.3.
Variant type: single nucleotide variant.
Coding change: c.1998T>A on transcript NM_015662.3 (MANE Select); coding-DNA position 1998, T replaced by A.
Protein change: p.Ile666=; no amino-acid change (isoleucine 666 retained).
Molecular consequence: synonymous variant.
Genome position (GRCh38, 1-based): chr2:27,463,121, A>T on the plus strand (T>A on the coding strand, the complement: IFT172 is on the minus strand). VCF-style: chr2-27463121-A-T. GRCh37 (hg19) VCF-style: chr2-27685988-A-T.
Other names: c.1932T>A, p.Ile644= (NM_001410739.1).
Identifiers: ClinVar variation 3356773 (VCV003356773.1).

ClinVar aggregate classification (germline): Likely benign (0 of 4 stars; one submission).

Conditions:
IFT172-related disorder. Also called: IFT172-related disorders; IFT172-related condition.

Submission:

PreventionGenetics, part of Exact Sciences
Classification: Likely benign for IFT172-related condition. Last evaluated: 2023-05-03. Review status: no assertion criteria provided. Collection method: clinical testing. Allele origin: germline.
Comment: This variant is classified as likely benign based on ACMG/AMP sequence variant interpretation guidelines (Richards et al. 2015 PMID: 25741868, with internal and published modifications).